The following is an entry in ClinVar:

NM_004991.4(MECOM):c.1799A>G (p.Asp600Gly)

Gene: MECOM (MDS1 and EVI1 complex locus; minus strand). Cytogenetic location: 3q26.2.
Variant type: single nucleotide variant.
Coding change: c.1799A>G on transcript NM_004991.4 (MANE Select); coding-DNA position 1799, A replaced by G.
Protein change: p.Asp600Gly; replaces aspartic acid 600 with glycine.
Molecular consequence: missense variant. On other transcripts: intron variant (2).
Genome position (GRCh38, 1-based): chr3:169,116,073, T>C on the plus strand (A>G on the coding strand, the complement: MECOM is on the minus strand). VCF-style: chr3-169116073-T-C. GRCh37 (hg19) VCF-style: chr3-168833861-T-C.
Other names: c.1430A>G, p.Asp477Gly (NM_001105077.4); c.1235A>G, p.Asp412Gly (NM_001105078.4, NM_001164000.2, NM_001205194.2 and 4 more transcripts); c.1238A>G, p.Asp413Gly (NM_001163999.2, NM_001366467.2, NM_001366468.2 and 1 more transcripts); c.1799A>G, p.Asp600Gly (NM_001366466.2); c.1133-306A>G (NM_001366473.2); c.569-306A>G (NM_001366474.2); short protein forms D477G, D412G, D600G, D413G.
Identifiers: ClinVar variation 3871792 (VCV003871792.1).

ClinVar aggregate classification (germline): Uncertain significance (1 of 4 stars; one submission).

Conditions:
Inborn genetic diseases. Identifiers: MedGen C0950123, MeSH D030342.

Submission:

Ambry Genetics
Classification: Uncertain significance for Inborn genetic diseases. Last evaluated: 2025-02-03. Review status: criteria provided, single submitter. Criteria: Ambry Variant Classification Scheme 2023. Collection method: clinical testing. Allele origin: germline.
Comment: The p.D600G variant (also known as c.1799A>G), located in coding exon 8 of the MECOM gene, results from an A to G substitution at nucleotide position 1799. The aspartic acid at codon 600 is replaced by glycine, an amino acid with similar properties. This amino acid position is conserved. In addition, this alteration is predicted to be tolerated by in silico analysis. Based on the available evidence, the clinical significance of this variant remains unclear.